The following is an entry in ClinVar:

ClinVar aggregate classification (germline): Uncertain significance (1 of 4 stars; one submission).

gnomAD v4.1: 1 of 1,614,014 alleles (0.000062%); highest among the groups gnomAD compares: Non-Finnish European, 0.000085%; no homozygotes.

Submission:

Labcorp Genetics (formerly Invitae), Labcorp
Classification: Uncertain significance. Last evaluated: 2024-07-02. Review status: criteria provided, single submitter. Criteria: Invitae Variant Classification Sherloc (09022015). Collection method: clinical testing. Allele origin: germline.
Comment: This sequence change replaces glycine, which is neutral and non-polar, with aspartic acid, which is acidic and polar, at codon 1362 of the FLNB protein (p.Gly1362Asp). This variant is not present in population databases (gnomAD no frequency). This variant has not been reported in the literature in individuals affected with FLNB-related conditions. Advanced modeling of protein sequence and biophysical properties (such as structural, functional, and spatial information, amino acid conservation, physicochemical variation, residue mobility, and thermodynamic stability) performed at Invitae indicates that this missense variant is not expected to disrupt FLNB protein function with a negative predictive value of 95%. In summary, the available evidence is currently insufficient to determine the role of this variant in disease. Therefore, it has been classified as a Variant of Uncertain Significance.

NM_001457.4(FLNB):c.4085G>A (p.Gly1362Asp)

Gene: FLNB (filamin B; plus strand). Cytogenetic location: 3p14.3.
Variant type: single nucleotide variant.
Coding change: c.4085G>A on transcript NM_001457.4 (MANE Select); coding-DNA position 4085, G replaced by A.
Protein change: p.Gly1362Asp; replaces glycine 1362 with aspartic acid.
Molecular consequence: missense variant.
Genome position (GRCh38, 1-based): chr3:58,126,625, G>A. VCF-style: chr3-58126625-G-A. GRCh37 (hg19) VCF-style: chr3-58112352-G-A.
Other names: c.4085G>A, p.Gly1362Asp (NM_001164317.2, NM_001164318.2, NM_001164319.2); short protein forms G1362D.
Identifiers: ClinVar variation 3628499 (VCV003628499.2).